The following is an entry in ClinVar:

ClinVar aggregate classification (germline): Uncertain significance (1 of 4 stars; one submission).

Conditions:
Hereditary cancer-predisposing syndrome. Also called: Hereditary Cancer Syndrome; Hereditary neoplastic syndrome; Neoplastic Syndromes, Hereditary; Tumor predisposition. Identifiers: Orphanet 140162, MedGen C0027672, MeSH D009386, MONDO:0015356.

Submission:

Ambry Genetics
Classification: Uncertain significance for Hereditary cancer-predisposing syndrome. Last evaluated: 2025-05-04. Review status: criteria provided, single submitter. Criteria: Ambry Variant Classification Scheme 2023. Collection method: clinical testing. Allele origin: germline.
Comment: The p.V480I variant (also known as c.1438G>A), located in coding exon 4 of the MSH6 gene, results from a G to A substitution at nucleotide position 1438. The valine at codon 480 is replaced by isoleucine, an amino acid with highly similar properties. This amino acid position is well conserved in available vertebrate species. In addition, the in silico prediction for this alteration is inconclusive. Based on the available evidence, the clinical significance of this variant remains unclear.

NM_000179.3(MSH6):c.1438G>A (p.Val480Ile)

Gene: MSH6 (mutS homolog 6; plus strand). Cytogenetic location: 2p16.3.
Variant type: single nucleotide variant.
Coding change: c.1438G>A on transcript NM_000179.3 (MANE Select); coding-DNA position 1438, G replaced by A.
Protein change: p.Val480Ile; replaces valine 480 with isoleucine.
Molecular consequence: missense variant.
Genome position (GRCh38, 1-based): chr2:47,799,421, G>A. VCF-style: chr2-47799421-G-A. GRCh37 (hg19) VCF-style: chr2-48026560-G-A.
Other names: c.1048G>A, p.Val350Ile (NM_001281492.2); c.532G>A, p.Val178Ile (NM_001281493.2, NM_001281494.2, NM_001406811.1 and 6 more transcripts); c.1534G>A, p.Val512Ile (NM_001406795.1, NM_001406802.1); c.1438G>A, p.Val480Ile (NM_001406796.1, NM_001406798.1, NM_001406800.1 and 4 more transcripts); c.1141G>A, p.Val381Ile (NM_001406797.1, NM_001406801.1, NM_001406805.1 and 10 more transcripts); c.913G>A, p.Val305Ile (NM_001406799.1, NM_001406806.1, NM_001406807.1); c.1360G>A, p.Val454Ile (NM_001406804.1); c.1444G>A, p.Val482Ile (NM_001406813.1); and 1 more; short protein forms V482I, V178I, V305I, V350I, V424I, V480I, V512I, V381I.
Identifiers: ClinVar variation 1772651 (VCV001772651.3), dbSNP rs2104344073, ClinGen allele CA346745593.
Genomic context (GRCh38, chr2:47,799,421, plus strand): 5'-GGCTTTCCTGAAATTGCATTTGGCCGTTATTCAGATTCCCTGGTGCAGAAGGGCTATAAA[G>A]TAGCACGAGTGGAACAGACTGAGACTCCAGAAATGATGGAGGCACGATGTAGAAAGATGG-3'
Protein context (NP_000170.1, residues 470-490): SDSLVQKGYK[Val480Ile]ARVEQTETPE